The following is an entry in ClinVar:

ClinVar aggregate classification (germline): Benign/Likely benign. Review status: criteria provided, multiple submitters, no conflicts (2 of 4 stars). 11 submissions from 11 submitters: Benign (2); Likely benign (7). 2 of the submissions do not count toward it. Last evaluated 2026-01-30.

Conditions:
VHL-related disorder. Also called: VHL-related condition.
Hereditary cancer-predisposing syndrome. Also called: Neoplastic Syndromes, Hereditary; Hereditary Cancer Syndrome; Tumor predisposition; Hereditary neoplastic syndrome. Identifiers: Orphanet 140162, MedGen C0027672, MeSH D009386, MONDO:0015356.
Von Hippel-Lindau syndrome (VHLS). Also called: Von Hippel-Lindau; von Hippel–Lindau syndrome; VHL syndrome. Identifiers: Orphanet 892, MedGen C0019562, MONDO:0008667, OMIM 193300. Disease mechanism: loss of function.
Chuvash polycythemia. Also called: POLYCYTHEMIA, VHL-DEPENDENT. Identifiers: Orphanet 238557, MedGen C1837915, MONDO:0009892, OMIM 263400.

Allele frequency attached by ClinVar (database versions not stated): gnomAD 0.00002 and 0.00004; gnomAD exomes 0.00004; TOPMed 0.00005; ExAC 0.00007; ESP Exome Variant Server 0.00008.
gnomAD v4.1: 66 of 1,549,742 alleles (0.0043%); highest among the groups gnomAD compares: Middle Eastern, 0.19%; no homozygotes.

Submissions (11):

Labcorp Genetics (formerly Invitae), Labcorp
Classification: Likely benign for Von Hippel-Lindau syndrome; Chuvash polycythemia. Last evaluated: 2026-01-30. Review status: criteria provided, single submitter. Criteria: Invitae Variant Classification Sherloc (09022015). Collection method: clinical testing. Allele origin: germline.

Myriad Genetics, Inc.
Classification: Benign for Von Hippel-Lindau syndrome. Last evaluated: 2025-06-10. Review status: criteria provided, single submitter. Criteria: Myriad Autosomal Dominant, Autosomal Recessive and X-Linked Classification Criteria (2023). Collection method: clinical testing. Allele origin: unknown.
Comment: This variant is considered benign. This variant is a silent/synonymous amino acid change and it is not expected to impact splicing.

Blueprint Genetics
Classification: Likely benign. Last evaluated: 2024-09-18. Review status: criteria provided, single submitter. Criteria: ACMG Guidelines, 2015. Collection method: clinical testing. Allele origin: germline.

CeGaT Center for Human Genetics Tuebingen
Classification: Likely benign. Last evaluated: 2024-03-01. Review status: criteria provided, single submitter. Criteria: CeGaT Center For Human Genetics Tuebingen Variant Classification Criteria Version 2. Collection method: clinical testing. Allele origin: germline. Affected: yes. Observed: 2 variant alleles.
Comment: VHL: BP4, BP7

All of Us Research Program, National Institutes of Health
Classification: Likely benign for Von Hippel-Lindau syndrome. Last evaluated: 2023-12-18. Review status: criteria provided, single submitter. Criteria: ACMG Guidelines, 2015. Collection method: clinical testing. Allele origin: germline. Inheritance: Autosomal dominant inheritance. Observed: 18 variant alleles, 18 heterozygotes.
Comment: This study involves interpretation of variants in research participants for the purpose of population health screening. Participant phenotype was not available at the time of variant classification. Additional details can be found in publication PMID: 35346344, PMCID: PMC8962531

KCCC/NGS Laboratory, Kuwait Cancer Control Center
Classification: Likely benign for Von Hippel-Lindau syndrome. Last evaluated: 2023-07-07. Review status: criteria provided, single submitter. Criteria: ACMG Guidelines, 2015. Collection method: clinical testing. Allele origin: germline. Affected: yes.

Color Diagnostics, LLC DBA Color Health
Classification: Likely benign for Von Hippel-Lindau syndrome. Last evaluated: 2022-11-06. Review status: criteria provided, single submitter. Criteria: ACMG Guidelines, 2015. Collection method: clinical testing. Allele origin: germline.

Ambry Genetics
Classification: Likely benign for Hereditary cancer-predisposing syndrome. Last evaluated: 2016-01-13. Review status: criteria provided, single submitter. Criteria: Ambry Variant Classification Scheme 2023. Collection method: clinical testing. Allele origin: germline.

GeneDx
Classification: Benign. Last evaluated: 2015-03-03. Review status: criteria provided, single submitter. Criteria: GeneDx Variant Classification Process June 2021. Collection method: clinical testing. Allele origin: germline. Affected: yes.

PreventionGenetics, part of Exact Sciences
Classification: Likely benign for VHL-related condition. Last evaluated: 2019-05-29. Review status: no assertion criteria provided. Collection method: clinical testing. Allele origin: germline. Not counted in ClinVar's aggregate classification.
Comment: This variant is classified as likely benign based on ACMG/AMP sequence variant interpretation guidelines (Richards et al. 2015 PMID: 25741868, with internal and published modifications).

Counsyl
Classification: Likely benign for Von Hippel-Lindau syndrome. Last evaluated: 2016-08-03. Review status: no assertion criteria provided. Collection method: clinical testing. Allele origin: unknown. Not counted in ClinVar's aggregate classification.

NM_000551.4(VHL):c.114C>T (p.Ser38=)

Gene: VHL (von Hippel-Lindau tumor suppressor; plus strand). Cytogenetic location: 3p25.3.
Variant type: single nucleotide variant.
Coding change: c.114C>T on transcript NM_000551.4 (MANE Select); coding-DNA position 114, C replaced by T.
Protein change: p.Ser38=; no amino-acid change (serine 38 retained).
Molecular consequence: synonymous variant.
Genome position (GRCh38, 1-based): chr3:10,141,961, C>T. VCF-style: chr3-10141961-C-T. GRCh37 (hg19) VCF-style: chr3-10183645-C-T.
Other names: c.114C>T, p.Ser38= (NM_001354723.2, NM_198156.3).
Identifiers: ClinVar variation 220918 (VCV000220918.54), dbSNP rs417164, ClinGen allele CA039351.